The following is an entry in ClinVar:

NM_001376.5(DYNC1H1):c.9075G>A (p.Glu3025=)

Genes: DYNC1H1 (dynein cytoplasmic 1 heavy chain 1; plus strand), LOC126862060 (BRD4-independent group 4 enhancer GRCh37_chr14:102493659-102494858; plus strand). Cytogenetic location: 14q32.31.
Variant type: single nucleotide variant.
Coding change: c.9075G>A on transcript NM_001376.5 (MANE Select); coding-DNA position 9075, G replaced by A.
Protein change: p.Glu3025=; no amino-acid change (glutamic acid 3025 retained).
Molecular consequence: synonymous variant.
Genome position (GRCh38, 1-based): chr14:102,027,645, G>A. VCF-style: chr14-102027645-G-A. GRCh37 (hg19) VCF-style: chr14-102493982-G-A.
Identifiers: ClinVar variation 388574 (VCV000388574.9), dbSNP rs777623931, ClinGen allele CA7353166.

ClinVar aggregate classification (germline): Likely benign. Review status: criteria provided, multiple submitters, no conflicts (2 of 4 stars). 2 submissions from 2 submitters: Likely benign (2). Last evaluated 2024-05-26.

Conditions:
Charcot-Marie-Tooth disease axonal type 2O. Also called: CHARCOT-MARIE-TOOTH NEUROPATHY, AXONAL, TYPE 2O; CHARCOT-MARIE-TOOTH DISEASE, AXONAL, AUTOSOMAL DOMINANT, TYPE 2O; Charcot-Marie-Tooth disease, axonal, type 20; Charcot-Marie-Tooth Neuropathy Type 2O. Identifiers: Orphanet 284232, MedGen C3280220, MONDO:0013644, OMIM 614228.

Allele frequency attached by ClinVar (database versions not stated): gnomAD exomes 0.00001; gnomAD 0.00002 and 0.00003; ExAC 0.00001; TOPMed 0.00002.
gnomAD v4.1: 19 of 1,614,054 alleles (0.0012%); highest among the groups gnomAD compares: Non-Finnish European, 0.0016%; no homozygotes.

Submissions (2):

Labcorp Genetics (formerly Invitae), Labcorp
Classification: Likely benign for Charcot-Marie-Tooth disease axonal type 2O. Last evaluated: 2024-05-26. Review status: criteria provided, single submitter. Criteria: Invitae Variant Classification Sherloc (09022015). Collection method: clinical testing. Allele origin: germline.

GeneDx
Classification: Likely benign. Last evaluated: 2016-08-11. Review status: criteria provided, single submitter. Criteria: GeneDx Variant Classification (06012015). Collection method: clinical testing. Allele origin: germline. Affected: yes.
Comment: This variant is considered likely benign or benign based on one or more of the following criteria: it is a conservative change, it occurs at a poorly conserved position in the protein, it is predicted to be benign by multiple in silico algorithms, and/or has population frequency not consistent with disease.